The following is an entry in ClinVar:

NM_001844.5(COL2A1):c.2672G>C (p.Gly891Ala)

Gene: COL2A1 (collagen type II alpha 1 chain; minus strand). Cytogenetic location: 12q13.11.
Variant type: single nucleotide variant.
Coding change: c.2672G>C on transcript NM_001844.5 (MANE Select); coding-DNA position 2672, G replaced by C.
Protein change: p.Gly891Ala; replaces glycine 891 with alanine.
Molecular consequence: missense variant.
Genome position (GRCh38, 1-based): chr12:47,980,016, C>G on the plus strand (G>C on the coding strand, the complement: COL2A1 is on the minus strand). VCF-style: chr12-47980016-C-G. GRCh37 (hg19) VCF-style: chr12-48373799-C-G.
Other names: c.2465G>C, p.Gly822Ala (NM_033150.3); short protein forms G822A, G891A.
Identifiers: ClinVar variation 2866230 (VCV002866230.3), dbSNP rs2540119648, ClinGen allele CA384544178.
Genomic context (GRCh38, chr12:47,980,016, plus strand): 5'-GGGGCCAGGCCTCTTTGTGAGGTGCAGGGTGGGGTGTCAGAGGCCTCACTCACCGGGGGG[C>G]CTTGGGCACCTCGGGCTCCTTTAGGACCAGTCACTCCAGTAGGACCCTGGAAAGGAAAGA-3'
Protein context (NP_001835.3, residues 881-901): TGPKGARGAQ[Gly891Ala]PPGATGFPGA

ClinVar aggregate classification (germline): Likely pathogenic (1 of 4 stars; one submission).

Submission:

Labcorp Genetics (formerly Invitae), Labcorp
Classification: Likely pathogenic. Last evaluated: 2023-05-20. Review status: criteria provided, single submitter. Criteria: Invitae Variant Classification Sherloc (09022015). Collection method: clinical testing. Allele origin: germline.
Comment: This sequence change replaces glycine, which is neutral and non-polar, with alanine, which is neutral and non-polar, at codon 891 of the COL2A1 protein (p.Gly891Ala). This variant is not present in population databases (gnomAD no frequency). This variant has not been reported in the literature in individuals affected with COL2A1-related conditions. Advanced modeling of protein sequence and biophysical properties (such as structural, functional, and spatial information, amino acid conservation, physicochemical variation, residue mobility, and thermodynamic stability) performed at Invitae indicates that this missense variant is expected to disrupt COL2A1 protein function. This variant disrupts the triple helix domain of COL2A1. Glycine residues within the Gly-Xaa-Yaa repeats of the triple helix domain are required for the structure and stability of fibrillar collagens (PMID: 7695699, 8218237, 19344236). In COL2A1, variants affecting these glycine residues are significantly enriched in individuals with disease (PMID: 9016532, 17078022) compared to the general population (ExAC). This variant disrupts the p.Gly891 amino acid residue in COL2A1. Other variant(s) that disrupt this residue have been observed in individuals with COL2A1-related conditions (PMID: 7757086, 35052477), which suggests that this may be a clinically significant amino acid residue. In summary, the currently available evidence indicates that the variant is pathogenic, but additional data are needed to prove that conclusively. Therefore, this variant has been classified as Likely Pathogenic.

Literature cited by the submitters: PubMed 7695699; PubMed 8218237; PubMed 19344236; PubMed 9016532; PubMed 17078022; PubMed 7757086; PubMed 35052477.